The following is an entry in ClinVar:

ClinVar aggregate classification (germline): Uncertain significance. Review status: criteria provided, single submitter (1 of 4 stars). 2 submissions from 2 submitters: Uncertain significance (1). 1 of the submissions does not count toward it. Last evaluated 2025-04-30.

Conditions:
Retinal dystrophy. Also called: Inherited retinal dystrophy. Identifiers: Orphanet 71862, MedGen C0854723, MeSH D058499, MONDO:0019118, HP:0000556.

gnomAD v4.1: 9 of 1,614,070 alleles (0.00056%); highest among the groups gnomAD compares: Admixed American, 0.0017%; no homozygotes.

Submissions (2):

Labcorp Genetics (formerly Invitae), Labcorp
Classification: Uncertain significance. Last evaluated: 2025-04-30. Review status: criteria provided, single submitter. Criteria: Invitae Variant Classification Sherloc (09022015). Collection method: clinical testing. Allele origin: germline.
Comment: This sequence change replaces arginine, which is basic and polar, with tryptophan, which is neutral and slightly polar, at codon 425 of the HK1 protein (p.Arg425Trp). This variant is present in population databases (rs758179223, gnomAD 0.0009%). This variant has not been reported in the literature in individuals affected with HK1-related conditions. ClinVar contains an entry for this variant (Variation ID: 3248714). Invitae Evidence Modeling of protein sequence and biophysical properties (such as structural, functional, and spatial information, amino acid conservation, physicochemical variation, residue mobility, and thermodynamic stability) indicates that this missense variant is not expected to disrupt HK1 protein function with a negative predictive value of 80%. In summary, the available evidence is currently insufficient to determine the role of this variant in disease. Therefore, it has been classified as a Variant of Uncertain Significance.

Institute of Human Genetics, Univ. Regensburg, Univ. Regensburg
Classification: Uncertain significance for Retinal dystrophy. Last evaluated: 2019-01-01. Review status: no assertion criteria provided. Criteria: ACMG Guidelines, 2015. Collection method: clinical testing. Allele origin: germline. Affected: yes. Not counted in ClinVar's aggregate classification.

NM_000188.3(HK1):c.1273C>T (p.Arg425Trp)

Gene: HK1 (hexokinase 1; plus strand). Cytogenetic location: 10q22.1.
Variant type: single nucleotide variant.
Coding change: c.1273C>T on transcript NM_000188.3 (MANE Select); coding-DNA position 1273, C replaced by T.
Protein change: p.Arg425Trp; replaces arginine 425 with tryptophan.
Molecular consequence: missense variant.
Genome position (GRCh38, 1-based): chr10:69,382,494, C>T. VCF-style: chr10-69382494-C-T. GRCh37 (hg19) VCF-style: chr10-71142250-C-T.
Other names: c.1285C>T, p.Arg429Trp (NM_001322364.2, NM_001358263.1, NM_033497.3 and 1 more transcripts); c.1378C>T, p.Arg460Trp (NM_001322365.2); c.1189C>T, p.Arg397Trp (NM_001322366.1); c.1177C>T, p.Arg393Trp (NM_001322367.1); c.1270C>T, p.Arg424Trp (NM_033496.3); c.1237C>T, p.Arg413Trp (NM_033500.2); short protein forms R393W, R397W, R413W, R424W, R425W, R429W, R460W.
Identifiers: ClinVar variation 3248714 (VCV003248714.2).